The following is an entry in ClinVar:

ClinVar aggregate classification (germline): Uncertain significance (1 of 4 stars; one submission).

Conditions:
Long QT syndrome (LQTS). Identifiers: MedGen C0023976, MeSH D008133, MONDO:0002442. Disease mechanism: loss of function. Inheritance: Various modes of inheritance.

Submission:

Labcorp Genetics (formerly Invitae), Labcorp
Classification: Uncertain significance for Long QT syndrome. Last evaluated: 2024-07-16. Review status: criteria provided, single submitter. Criteria: Invitae Variant Classification Sherloc (09022015). Collection method: clinical testing. Allele origin: germline.
Comment: This sequence change replaces proline, which is neutral and non-polar, with threonine, which is neutral and polar, at codon 784 of the CACNA1C protein (p.Pro784Thr). This variant is not present in population databases (gnomAD no frequency). This variant has not been reported in the literature in individuals affected with CACNA1C-related conditions. Advanced modeling of protein sequence and biophysical properties (such as structural, functional, and spatial information, amino acid conservation, physicochemical variation, residue mobility, and thermodynamic stability) performed at Invitae indicates that this missense variant is not expected to disrupt CACNA1C protein function with a negative predictive value of 80%. In summary, the available evidence is currently insufficient to determine the role of this variant in disease. Therefore, it has been classified as a Variant of Uncertain Significance.

NM_000719.7(CACNA1C):c.2350C>A (p.Pro784Thr)

Gene: CACNA1C (calcium voltage-gated channel subunit alpha1 C; plus strand). Cytogenetic location: 12p13.33.
Variant type: single nucleotide variant.
Coding change: c.2350C>A on transcript NM_000719.7 (MANE Select); coding-DNA position 2350, C replaced by A.
Protein change: p.Pro784Thr; replaces proline 784 with threonine.
Molecular consequence: missense variant.
Genome position (GRCh38, 1-based): chr12:2,585,386, C>A. VCF-style: chr12-2585386-C-A. GRCh37 (hg19) VCF-style: chr12-2694552-C-A.
Other names: c.2350C>A, p.Pro784Thr (NM_001129827.2, NM_001129829.2, NM_001129830.3 and 18 more transcripts); c.2341C>A, p.Pro781Thr (NM_001129844.2); short protein forms P781T, P784T.
Identifiers: ClinVar variation 3659668 (VCV003659668.2).